The following is an entry in ClinVar:

ClinVar aggregate classification (germline): Uncertain significance (1 of 4 stars; one submission).

Conditions:
Familial adenomatous polyposis 1 (FAP1). Also called: FAMILIAL ADENOMATOUS POLYPOSIS 1, ATTENUATED; POLYPOSIS, ADENOMATOUS INTESTINAL. Identifiers: MedGen C2713442, MONDO:0021056, OMIM 175100. Disease mechanism: loss of function.

Submission:

Labcorp Genetics (formerly Invitae), Labcorp
Classification: Uncertain significance for Familial adenomatous polyposis 1. Last evaluated: 2024-04-27. Review status: criteria provided, single submitter. Criteria: Invitae Variant Classification Sherloc (09022015). Collection method: clinical testing. Allele origin: germline.
Comment: This sequence change replaces serine, which is neutral and polar, with asparagine, which is neutral and polar, at codon 2113 of the APC protein (p.Ser2113Asn). Information on the frequency of this variant in the gnomAD database is not available, as this variant may be reported differently in the database. This variant has not been reported in the literature in individuals affected with APC-related conditions. An algorithm developed to predict the effect of missense changes on protein structure and function (PolyPhen-2) suggests that this variant is likely to be disruptive. In summary, the available evidence is currently insufficient to determine the role of this variant in disease. Therefore, it has been classified as a Variant of Uncertain Significance.

NM_000038.6(APC):c.6338_6339inv (p.Ser2113Asn)

Gene: APC (APC regulator of Wnt signaling pathway; plus strand). Cytogenetic location: 5q22.2.
Variant type: Inversion.
Coding change: c.6338_6339inv on transcript NM_000038.6 (MANE Select).
Protein change: p.Ser2113Asn; replaces serine 2113 with asparagine.
Molecular consequence: missense variant. On other transcripts: non-coding transcript variant (2).
Genome position: GRCh38 VCF-style: chr5-112841932-GT-AC. GRCh37 (hg19) VCF-style: chr5-112177629-GT-AC.
Other names: c.6338_6339inv, p.Ser2113Asn (NM_001127510.3, NM_001354895.2, NM_001407450.1); c.6284_6285inv, p.Ser2095Asn (NM_001127511.3); c.6392_6393inv, p.Ser2131Asn (NM_001354896.2, NM_001407447.1, NM_001407448.1 and 1 more transcripts); c.6368_6369inv, p.Ser2123Asn (NM_001354897.2); c.6263_6264inv, p.Ser2088Asn (NM_001354898.2); c.6254_6255inv, p.Ser2085Asn (NM_001354899.2); c.6215_6216inv, p.Ser2072Asn (NM_001354900.2); c.6161_6162inv, p.Ser2054Asn (NM_001354901.2, NM_001407453.1); and 11 more; short protein forms S1953N, S2012N, S1830N, S1984N, S2030N, S2088N, S1987N, S2054N.
Identifiers: ClinVar variation 3651314 (VCV003651314.2).
Genomic context (GRCh38, chr5:112,841,932, plus strand): 5'-CCCCTGATTCAGAAAATTTTGATTGGAAAGCTATTCAGGAAGGTGCAAATTCCATAGTAA[GT>AC]AGTTTACATCAAGCTGCTGCTGCTGCATGTTTATCTAGACAAGCTTCGTCTGATTCAGAT-3'
Protein context (NP_000029.2, residues 2103-2123): AIQEGANSIV[Ser2113Asn]SLHQAAAAAC